The following is an entry in ClinVar:

NM_177438.3(DICER1):c.3428T>C (p.Leu1143Pro)

Gene: DICER1 (dicer 1, ribonuclease III; minus strand). Cytogenetic location: 14q32.13.
Variant type: single nucleotide variant.
Coding change: c.3428T>C on transcript NM_177438.3 (MANE Select); coding-DNA position 3428, T replaced by C.
Protein change: p.Leu1143Pro; replaces leucine 1143 with proline.
Molecular consequence: missense variant.
Genome position (GRCh38, 1-based): chr14:95,103,968, A>G on the plus strand (T>C on the coding strand, the complement: DICER1 is on the minus strand). VCF-style: chr14-95103968-A-G. GRCh37 (hg19) VCF-style: chr14-95570305-A-G.
Other names: NM_177438.2(DICER1):c.3428T>C; p.Leu1143Pro; c.3428T>C, p.Leu1143Pro (NM_001195573.1, NM_001271282.3, NM_001291628.2 and 1 more transcripts); short protein forms L1143P.
Identifiers: ClinVar variation 220594 (VCV000220594.49), dbSNP rs139786661, ClinGen allele CA349475.

ClinVar aggregate classification (germline): Benign. Review status: reviewed by expert panel (3 of 4 stars). 13 submissions from 13 submitters: Benign (1). 12 of the submissions do not count toward it. Last evaluated 2022-05-18.

Conditions:
DICER1-related disorder. Also called: DICER1-related condition.
Hereditary cancer-predisposing syndrome. Also called: Neoplastic Syndromes, Hereditary; Hereditary Cancer Syndrome; Tumor predisposition; Hereditary neoplastic syndrome. Identifiers: Orphanet 140162, MedGen C0027672, MeSH D009386, MONDO:0015356.
DICER1-related tumor predisposition. Also called: DICER1 syndrome; DICER1-related pleuropulmonary blastoma cancer predisposition syndrome. Identifiers: Orphanet 284343, MedGen C3839822, MONDO:0100216.

Allele frequency attached by ClinVar (database versions not stated): gnomAD exomes 0.00008 and 0.00017; ExAC 0.00021; gnomAD 0.00070; TOPMed 0.00075; ESP Exome Variant Server 0.00077; 1000 Genomes Project 30x 0.00094; 1000 Genomes Project 0.00120.
gnomAD v4.1: 226 of 1,614,202 alleles (0.014%); highest among the groups gnomAD compares: African/African-American, 0.27%; no homozygotes.

Submissions (13):

ClinGen DICER1 and miRNA-Processing Gene Variant Curation Expert Panel, ClinGen
Classification: Benign for DICER1-related tumor predisposition. Last evaluated: 2022-05-18. Review status: reviewed by expert panel. Criteria: ClinGen DICER1 ACMG Specifications DICER1 v1. Collection method: curation. Allele origin: germline. Inheritance: Autosomal dominant inheritance.
Comment: The NM_177438.2:c.3428T>C variant in DICER1 is a missense variant predicted to cause substitution of leucine by proline at amino acid 1143 (p.Leu1143Pro). This variant has been seen in 40 or more unrelated females without tumors through age 50 in at least one testing laboratory (BS2; GTRs: 500031, 61756). The highest population minor allele frequency in gnomAD v2.1.1 (non-cancer) is 0.0029 (69/23442 alleles; FAF=0.0020) in African/African-American population, which is higher than the ClinGen DICER1 VCEP threshold (>0.0003) for BS1, and therefore meets this criterion (BS1). The computational predictor REVEL gives a score of 0.102, which is below the threshold of 0.5, and the splice site predictors MaxEntScan and SpliceAI indicate that the variant has no impact on splicing, evidence that does not predict a damaging effect on DICER1 function (BP4). In summary, this variant meets the criteria to be classified as BENIGN for DICER1 syndrome based on the ACMG/AMP criteria applied, as specified by the ClinGen DICER1 VCEP: BS2, BS1, BP4. (Bayesian Points: -9; VCEP specifications version 1; 02/11/2022)

Myriad Genetics, Inc.
Classification: Likely benign for DICER1-related tumor predisposition. Last evaluated: 2026-04-13. Review status: criteria provided, single submitter. Criteria: Myriad Autosomal Dominant, Autosomal Recessive and X-Linked Classification Criteria (2023). Collection method: clinical testing. Allele origin: unknown. Not counted in ClinVar's aggregate classification.
Comment: This variant is considered likely benign. This variant has been observed at a population frequency that is significantly greater than expected given the associated disease prevalence and penetrance.

Labcorp Genetics (formerly Invitae), Labcorp
Classification: Benign for DICER1-related tumor predisposition. Last evaluated: 2026-02-04. Review status: criteria provided, single submitter. Criteria: Invitae Variant Classification Sherloc (09022015). Collection method: clinical testing. Allele origin: germline. Not counted in ClinVar's aggregate classification.

Center for Genomic Medicine, Rigshospitalet, Copenhagen University Hospital
Classification: Benign. Last evaluated: 2025-03-04. Review status: criteria provided, single submitter. Criteria: ACMG Guidelines, 2015. Collection method: clinical testing. Allele origin: germline. Not counted in ClinVar's aggregate classification.

Blueprint Genetics
Classification: Likely benign. Last evaluated: 2024-11-25. Review status: criteria provided, single submitter. Criteria: ACMG Guidelines, 2015. Collection method: clinical testing. Allele origin: germline. Not counted in ClinVar's aggregate classification.

CeGaT Center for Human Genetics Tuebingen
Classification: Likely benign. Last evaluated: 2024-11-01. Review status: criteria provided, single submitter. Criteria: CeGaT Center For Human Genetics Tuebingen Variant Classification Criteria Version 2. Collection method: clinical testing. Allele origin: germline. Affected: yes. Observed: 1 variant allele. Not counted in ClinVar's aggregate classification.
Comment: DICER1: BP4, BS1

Ambry Genetics
Classification: Benign for Hereditary cancer-predisposing syndrome. Last evaluated: 2024-04-24. Review status: criteria provided, single submitter. Criteria: Ambry Variant Classification Scheme 2023. Collection method: clinical testing. Allele origin: germline. Not counted in ClinVar's aggregate classification.

Quest Diagnostics Nichols Institute San Juan Capistrano
Classification: Likely benign. Last evaluated: 2023-06-07. Review status: criteria provided, single submitter. Criteria: Quest Diagnostics criteria. Collection method: clinical testing. Allele origin: unknown. Not counted in ClinVar's aggregate classification.

GeneDx
Classification: Likely benign. Last evaluated: 2022-04-28. Review status: criteria provided, single submitter. Criteria: GeneDx Variant Classification Process June 2021. Collection method: clinical testing. Allele origin: germline. Affected: yes. Not counted in ClinVar's aggregate classification.
Comment: See Variant Classification Assertion Criteria.

ARUP Laboratories, Molecular Genetics and Genomics, ARUP Laboratories
Classification: Likely benign. Last evaluated: 2021-10-08. Review status: criteria provided, single submitter. Criteria: ARUP Molecular Germline Variant Investigation Process 2021. Collection method: clinical testing. Allele origin: germline. Not counted in ClinVar's aggregate classification.

Sema4
Classification: Benign for Hereditary cancer-predisposing syndrome. Last evaluated: 2021-04-14. Review status: criteria provided, single submitter. Criteria: Sema4 Curation Guidelines. Collection method: curation. Allele origin: germline. Not counted in ClinVar's aggregate classification.

St. Jude Molecular Pathology, St. Jude Children's Research Hospital
Classification: Likely benign for DICER1-related tumor predisposition. Last evaluated: 2020-09-10. Review status: criteria provided, single submitter. Criteria: St. Jude Assertion Criteria 2020. Collection method: clinical testing. Allele origin: germline. Not counted in ClinVar's aggregate classification.
Comment: The c.3428T>C (p.Leu1143Pro) missense variant has a frequency of 0.0002586 (73 of 282,336 alleles) in gnomAD v2.1.1 with a maximum allele frequency of 0.002904 (72 of 24,794) in the African subpopulation. This is greater than the expected prevalence of a DICER1 pathogenic variant (BS1, PMID: 24761742). DICER1 has a missense z-score of >3.09 which suggests that this gene has a low rate of benign missense variation and that missense variants are more likely to be damaging (PP2). However, five of seven in silico tools predict a benign effect of this variant on protein function (BP4). This variant has been reported somatically in a case of pediatric acute myeloid leukemia (PMID: 29227476), but to our knowledge, this variant has not been reported in individuals with a personal or family history suggestive of DICER1 Tumor Predisposition syndrome (internal data and literature review). In summary, this variant meets criteria to be classified as likely benign based on the ACMG/AMP criteria: BS1, BP4, PP2.

PreventionGenetics, part of Exact Sciences
Classification: Likely benign for DICER1-related condition. Last evaluated: 2021-11-22. Review status: no assertion criteria provided. Collection method: clinical testing. Allele origin: germline. Not counted in ClinVar's aggregate classification.
Comment: This variant is classified as likely benign based on ACMG/AMP sequence variant interpretation guidelines (Richards et al. 2015 PMID: 25741868, with internal and published modifications).